The following is an entry in ClinVar:

ClinVar aggregate classification (germline): Conflicting classifications of pathogenicity. Review status: criteria provided, conflicting classifications (1 of 4 stars). 4 submissions from 4 submitters: Uncertain significance (1); Benign (2); Likely benign (1). Last evaluated 2026-07-01.

Conditions:
Factor XIII, A subunit, deficiency of. Also called: Factor XIII subunit A deficiency. Identifiers: Orphanet 331, MedGen C2750514, MONDO:0013187, OMIM 613225, HP:0040233.

Allele frequency attached by ClinVar (database versions not stated): 1000 Genomes Project 0.00120; 1000 Genomes Project 30x 0.00156; TOPMed 0.00365; gnomAD exomes 0.00379 and 0.00524; ExAC 0.00396; gnomAD 0.00433 and 0.00445; ESP Exome Variant Server 0.00630.
gnomAD v4.1: 8,265 of 1,613,720 alleles (0.51%); highest among the groups gnomAD compares: Non-Finnish European, 0.6%; 34 homozygotes.

Submissions (4):

CeGaT Center for Human Genetics Tuebingen
Classification: Likely benign. Last evaluated: 2026-07-01. Review status: criteria provided, single submitter. Criteria: CeGaT Center For Human Genetics Tuebingen Variant Classification Criteria Version 2. Collection method: clinical testing. Allele origin: germline. Affected: yes. Observed: 5 variant alleles.
Comment: F13A1: BP4, BS2

Mayo Clinic Laboratories, Mayo Clinic
Classification: Benign. Last evaluated: 2022-05-03. Review status: criteria provided, single submitter. Criteria: ACMG Guidelines, 2015. Collection method: clinical testing. Allele origin: germline. Observed: 2 variant alleles.
Comment: BS1, BS2, BP4

Labcorp Genetics (formerly Invitae), Labcorp
Classification: Benign. Last evaluated: 2019-12-31. Review status: criteria provided, single submitter. Criteria: Invitae Variant Classification Sherloc (09022015). Collection method: clinical testing. Allele origin: germline.

Illumina Laboratory Services, Illumina
Classification: Uncertain significance for Factor XIII, A subunit, deficiency of. Last evaluated: 2017-04-27. Review status: criteria provided, single submitter. Criteria: ICSL Variant Classification Criteria 13 December 2019. Collection method: clinical testing. Allele origin: germline.
Comment: This variant was observed as part of a predisposition screen in an ostensibly healthy population. A literature search was performed for the gene, cDNA change, and amino acid change (where applicable). Publications were found based on this search. However, the evidence from the literature, in combination with allele frequency data from public databases where available, was not sufficient to rule this variant in or out of causing disease. Therefore, this variant is classified as a variant of unknown significance.

Literature cited by the submitters: PubMed 24194833 (cited by Illumina Laboratory Services, Illumina); PubMed 26503545 (cited by Illumina Laboratory Services, Illumina).

NM_000129.4(F13A1):c.1766T>A (p.Leu589Gln)

Gene: F13A1 (coagulation factor XIII A chain; minus strand). Cytogenetic location: 6p25.1.
Variant type: single nucleotide variant.
Coding change: c.1766T>A on transcript NM_000129.4 (MANE Select); coding-DNA position 1766, T replaced by A.
Protein change: p.Leu589Gln; replaces leucine 589 with glutamine.
Molecular consequence: missense variant.
Genome position (GRCh38, 1-based): chr6:6,167,600, A>T on the plus strand (T>A on the coding strand, the complement: F13A1 is on the minus strand). VCF-style: chr6-6167600-A-T. GRCh37 (hg19) VCF-style: chr6-6167833-A-T.
Other names: p.Leu589Gln; short protein forms L589Q.
Identifiers: ClinVar variation 786407 (VCV000786407.47), dbSNP rs5983, ClinGen allele CA3624242.